The following is an entry in ClinVar:

ClinVar aggregate classification (germline): Pathogenic. Review status: criteria provided, multiple submitters, no conflicts (2 of 4 stars). 17 submissions from 16 submitters: Pathogenic (12). 5 of the submissions do not count toward it. Last evaluated 2026-09-01.

Conditions:
GLI3-related disorder. Also called: GLI3-related condition; GLI3-related disorders. Identifiers: MedGen CN239292.
Pallister-Hall syndrome (PHS). Also called: HYPOTHALAMIC HAMARTOBLASTOMA, HYPOPITUITARISM, IMPERFORATE ANUS, AND POSTAXIAL POLYDACTYLY; GLI3-Related Pallister-Hall Syndrome. Identifiers: Orphanet 672, MedGen C0265220, MONDO:0007804, OMIM 146510.
Greig cephalopolysyndactyly syndrome (GCPS). Also called: GLI3-Related Greig Cephalopolysyndactyly Syndrome; POLYSYNDACTYLY WITH PECULIAR SKULL SHAPE; Greig syndrome. Identifiers: Orphanet 380, MedGen C0265306, MONDO:0008287, OMIM 175700.
Polydactyly, postaxial, type A1. Identifiers: MedGen C4282400, MONDO:0008266, OMIM 174200.
Polysyndactyly 4. Also called: Polysyndactyly uncomplicated; Preaxial polydactyly 4. Identifiers: Orphanet 93338, MedGen C1868111, MONDO:0008272, OMIM 174700.

Allele frequency attached by ClinVar (database versions not stated): gnomAD exomes below 0.00001.
gnomAD v4.1: 5 of 1,614,062 alleles (0.00031%); highest among the groups gnomAD compares: South Asian, 0.0011%; no homozygotes.

Submissions (17):

CeGaT Center for Human Genetics Tuebingen
Classification: Pathogenic. Last evaluated: 2026-09-01. Review status: criteria provided, single submitter. Criteria: CeGaT Center For Human Genetics Tuebingen Variant Classification Criteria Version 2. Collection method: clinical testing. Allele origin: germline. Affected: yes. Observed: 1 variant allele.
Comment: GLI3: PVS1, PP1:Strong, PS4, PM2:Supporting

Institute of Medical Genetics and Applied Genomics, University Hospital Tübingen
Classification: Pathogenic for Greig cephalopolysyndactyly syndrome. Last evaluated: 2026-07-16. Review status: criteria provided, single submitter. Criteria: ACMG Guidelines, 2015. Collection method: clinical testing. Allele origin: de novo. Inheritance: Autosomal dominant inheritance. Affected: yes.

Labcorp Genetics (formerly Invitae), Labcorp
Classification: Pathogenic for Pallister-Hall syndrome; Greig cephalopolysyndactyly syndrome. Last evaluated: 2025-07-24. Review status: criteria provided, single submitter. Criteria: Invitae Variant Classification Sherloc (09022015). Collection method: clinical testing. Allele origin: germline.
Comment: This sequence change creates a premature translational stop signal (p.Arg792*) in the GLI3 gene. It is expected to result in an absent or disrupted protein product. Loss-of-function variants in GLI3 are known to be pathogenic (PMID: 10441570, 15739154, 18000979, 24736735). This variant is present in population databases (rs121917714, gnomAD 0.003%). This premature translational stop signal has been observed in individual(s) with Greig cephalopolysyndactyly syndrome (PMID: 10441342, 12794692, 26508445). It has also been observed to segregate with disease in related individuals. ClinVar contains an entry for this variant (Variation ID: 13828). For these reasons, this variant has been classified as Pathogenic.

Clinical Genetics Laboratory, Skane University Hospital Lund
Classification: Pathogenic for Greig cephalopolysyndactyly syndrome. Last evaluated: 2025-06-26. Review status: criteria provided, single submitter. Criteria: ACMG Guidelines, 2015. Collection method: clinical testing. Allele origin: germline. Inheritance: Autosomal dominant inheritance. Affected: yes.
Comment: ACMG criteria used: PVS1, PP1_strong and PP4.

Fulgent Genetics
Classification: Pathogenic for Pallister-Hall syndrome; Polydactyly, postaxial, type A1; Polysyndactyly 4; Greig cephalopolysyndactyly syndrome. Last evaluated: 2024-06-21. Review status: criteria provided, single submitter. Criteria: ACMG Guidelines, 2015. Collection method: clinical testing. Allele origin: germline.

Institute of Medical Genetics and Applied Genomics, University Hospital Tübingen
Classification: Pathogenic for Polydactyly, postaxial, type A1. Last evaluated: 2024-05-23. Review status: criteria provided, single submitter. Criteria: ACMG Guidelines, 2015. Collection method: clinical testing. Allele origin: germline. Inheritance: Autosomal dominant inheritance. Affected: yes.

Genetics and Molecular Pathology, SA Pathology
Classification: Pathogenic for Pallister-Hall syndrome; Polydactyly, postaxial, type A1; Polysyndactyly 4; Greig cephalopolysyndactyly syndrome. Last evaluated: 2023-09-12. Review status: criteria provided, single submitter. Criteria: ACMG Guidelines, 2015. Collection method: clinical testing. Allele origin: germline. Affected: yes.

MGZ Medical Genetics Center
Classification: Pathogenic for Polydactyly, postaxial, type A1. Last evaluated: 2022-07-29. Review status: criteria provided, single submitter. Criteria: ACMG Guidelines, 2015. Collection method: clinical testing. Allele origin: germline. Affected: yes. Observed: 1 variant allele.
Comment: ACMG criteria applied: PVS1, PS3_MOD, PS4_MOD, PM2_SUP, PP1

GeneDx
Classification: Pathogenic. Last evaluated: 2022-01-31. Review status: criteria provided, single submitter. Criteria: GeneDx Variant Classification Process June 2021. Collection method: clinical testing. Allele origin: germline. Affected: yes.
Comment: Reported previously in association with GLI3-related disorders (Kalff-Suske et al.,1999; Furniss et al., 2007; Jamsheer et al., 2012; Patel et al., 2016); Nonsense variant predicted to result in protein truncation in a gene for which loss-of-function is a known mechanism of disease; Functional studies indicate that this variant is susceptible to nonsense-mediated mRNA decay (Furniss et al., 2007); Not observed at significant frequency in large population cohorts (gnomAD); This variant is associated with the following publications: (PMID: 19308487, 34482537, 25525159, 10441342, 12794692, 15739154, 22903559, 19429598, 26508445, 18000979, 31306531, 30848202, 31573334)

Institute for Medical Genetics and Human Genetics, Charité - Universitätsmedizin Berlin
Classification: Pathogenic for Polydactyly, postaxial, type A1. Last evaluated: 2021-05-31. Review status: criteria provided, single submitter. Criteria: ACMG Guidelines, 2015. Collection method: research. Allele origin: germline. Inheritance: Autosomal dominant inheritance. Affected: yes. Observed: 2 heterozygotes.

Victorian Clinical Genetics Services, Murdoch Childrens Research Institute
Classification: Pathogenic for Polydactyly, postaxial, type A1. Last evaluated: 2021-05-06. Review status: criteria provided, single submitter. Criteria: ACMG Guidelines, 2015. Collection method: clinical testing. Allele origin: germline. Inheritance: Autosomal dominant inheritance. Affected: yes.
Comment: Based on the classification scheme VCGS_Germline_v1.3.4, this variant is classified as Pathogenic. Following criteria are met: 0102 - Loss of function is a known mechanism of disease in this gene and is associated with Greig cephalopolysyndactyly syndrome (MIM#175700) and Polydactyly, preaxial, type IV (MIM#174700). (I) 0107 - This gene is associated with autosomal dominant disease. (I) 0115 - Variants in this gene are known to have variable expressivity (PMID: 18000979). (I) 0201 - Variant has been shown to cause nonsense-mediated decay (NMD) and loss of protein (premature termination codon is located at least 54 nucleotides upstream of the final exon-exon junction) (PMID: 18000979). (SP) 0251 - This variant is heterozygous. (I) 0302 - Variant is present in gnomAD (v2) <0.001 for a dominant condition (1 heterozygote, 0 homozygotes). (SP) 0701 - Other NMD predicted variants comparable to the one identified in this case have very strong previous evidence for pathogenicity (ClinVar). (SP) 0801 - This variant has strong previous evidence of pathogenicity in unrelated individuals. This variant has been previously reported in patients with Greig cephalopolysyndactyly syndrome (MIM#175700) and preaxial polydactyly type IV (MIM#174700) (PMID: 15739154, 18000979, 22903559, 26508445). (SP) 1102 - Strong phenotype match for this individual. (SP) 1208 - Inheritance information for this variant is not currently available in this individual. (I) Legend: (SP) - Supporting pathogenic, (I) - Information, (SB) - Supporting benign

Blueprint Genetics
Classification: Pathogenic for GLI3-related disorders. Last evaluated: 2020-09-09. Review status: criteria provided, single submitter. Criteria: ACMG Guidelines, 2015. Collection method: clinical testing. Allele origin: de novo. Affected: yes. Observed: 3 variant alleles.

Medical Genetics Center, Maternal and Child Health Hospital of Hubei Province
Classification: Pathogenic for Greig cephalopolysyndactyly syndrome. Last evaluated: 2026-05-14. Review status: no assertion criteria provided. Collection method: clinical testing. Allele origin: paternal. Affected: yes. Not counted in ClinVar's aggregate classification.
Comment: PVS1+PS3_Moderate,+PS4_Moderate,+PM2_Supporting+PP1

PreventionGenetics, part of Exact Sciences
Classification: Pathogenic for GLI3-related condition. Last evaluated: 2024-03-12. Review status: no assertion criteria provided. Collection method: clinical testing. Allele origin: germline. Not counted in ClinVar's aggregate classification.
Comment: The GLI3 c.2374C>T variant is predicted to result in premature protein termination (p.Arg792*). This variant has been reported to be causative for Greig cephalopolysyndactyly (Kalff-Suske et al. 1999. PubMed ID: 10441342), and polydactyly/polysyndactyly (Jamsheer et al. 2012. PubMed ID: 22903559; Table 1, Sczakiel et al. 2021. PubMed ID: 34482537). At PreventionGenetics, we previously detected this variant in several other patients. This variant is reported in 0.0033% of alleles in individuals of South Asian descent in gnomAD. Nonsense variants in GLI3 are expected to be pathogenic. This variant is interpreted as pathogenic.

OMIM
Classification: Pathogenic for GREIG CEPHALOPOLYSYNDACTYLY SYNDROME. Last evaluated: 2007-12-15. Review status: no assertion criteria provided. Collection method: literature only. Allele origin: germline. Not counted in ClinVar's aggregate classification.

Clinical Genetics DNA and cytogenetics Diagnostics Lab, Erasmus MC, Erasmus Medical Center
Classification: Pathogenic. Review status: no assertion criteria provided. Collection method: clinical testing. Allele origin: germline. Affected: yes. Study: VKGL Data-share Consensus. Not counted in ClinVar's aggregate classification.

Diagnostic Laboratory, Department of Genetics, University Medical Center Groningen
Classification: Pathogenic. Review status: no assertion criteria provided. Collection method: clinical testing. Allele origin: germline. Affected: yes. Study: VKGL Data-share Consensus. Not counted in ClinVar's aggregate classification.

Literature cited by the submitters: PubMed 10441570 (cited by Labcorp Genetics (formerly Invitae), Labcorp); PubMed 15739154 (cited by Labcorp Genetics (formerly Invitae), Labcorp and Victorian Clinical Genetics Services, Murdoch Childrens Research Institute); PubMed 18000979 (cited by 3 submitters); PubMed 24736735 (cited by Labcorp Genetics (formerly Invitae), Labcorp); PubMed 10441342 (cited by Labcorp Genetics (formerly Invitae), Labcorp); PubMed 12794692 (cited by Labcorp Genetics (formerly Invitae), Labcorp); PubMed 26508445 (cited by 3 submitters); PubMed 22903559 (cited by Victorian Clinical Genetics Services, Murdoch Childrens Research Institute and Medical Genetics Center, Maternal and Child Health Hospital of Hubei Province).

NM_000168.6(GLI3):c.2374C>T (p.Arg792Ter)

Gene: GLI3 (GLI family zinc finger 3; minus strand). Cytogenetic location: 7p14.1.
Variant type: single nucleotide variant.
Coding change: c.2374C>T on transcript NM_000168.6 (MANE Select); coding-DNA position 2374, C replaced by T.
Protein change: p.Arg792Ter; replaces arginine 792 with a stop codon.
Molecular consequence: nonsense.
Genome position (GRCh38, 1-based): chr7:41,967,653, G>A on the plus strand (C>T on the coding strand, the complement: GLI3 is on the minus strand). VCF-style: chr7-41967653-G-A. GRCh37 (hg19) VCF-style: chr7-42007251-G-A.
Other names: short protein forms R792*.
Identifiers: ClinVar variation 13828 (VCV000013828.32), dbSNP rs121917714, ClinGen allele CA256983.